The following is an entry in ClinVar:

NM_001040151.2(SCN3B):c.131G>A (p.Arg44His)

Gene: SCN3B (sodium voltage-gated channel beta subunit 3; minus strand). Cytogenetic location: 11q24.1.
Variant type: single nucleotide variant.
Coding change: c.131G>A on transcript NM_001040151.2 (MANE Select); coding-DNA position 131, G replaced by A.
Protein change: p.Arg44His; replaces arginine 44 with histidine.
Molecular consequence: missense variant.
Genome position (GRCh38, 1-based): chr11:123,645,675, C>T on the plus strand (G>A on the coding strand, the complement: SCN3B is on the minus strand). VCF-style: chr11-123645675-C-T. GRCh37 (hg19) VCF-style: chr11-123516383-C-T.
Other names: c.131G>A, p.Arg44His (NM_018400.4); short protein forms R44H.
Identifiers: ClinVar variation 3438231 (VCV003438231.2).

ClinVar aggregate classification (germline): Uncertain significance. Review status: criteria provided, multiple submitters, no conflicts (2 of 4 stars). 2 submissions from 2 submitters: Uncertain significance (2). Last evaluated 2025-07-09.

Conditions:
Brugada syndrome 7 (BRGDA7). Identifiers: Orphanet 130, MedGen C2751088, MONDO:0013146, OMIM 613120.
Cardiovascular phenotype. Identifiers: MedGen CN230736.

gnomAD v4.1: 16 of 1,614,142 alleles (0.00099%); highest among the groups gnomAD compares: Middle Eastern, 0.016%; no homozygotes.

Submissions (2):

Labcorp Genetics (formerly Invitae), Labcorp
Classification: Uncertain significance for Brugada syndrome 7. Last evaluated: 2025-07-09. Review status: criteria provided, single submitter. Criteria: Invitae Variant Classification Sherloc (09022015). Collection method: clinical testing. Allele origin: germline.
Comment: This sequence change replaces arginine, which is basic and polar, with histidine, which is basic and polar, at codon 44 of the SCN3B protein (p.Arg44His). This variant is present in population databases (no rsID available, gnomAD 0.003%). This variant has not been reported in the literature in individuals affected with SCN3B-related conditions. ClinVar contains an entry for this variant (Variation ID: 3438231). An algorithm developed to predict the effect of missense changes on protein structure and function (PolyPhen-2) suggests that this variant is likely to be disruptive. In summary, the available evidence is currently insufficient to determine the role of this variant in disease. Therefore, it has been classified as a Variant of Uncertain Significance.

Ambry Genetics
Classification: Uncertain significance for Cardiovascular phenotype. Last evaluated: 2024-08-27. Review status: criteria provided, single submitter. Criteria: Ambry Variant Classification Scheme 2023. Collection method: clinical testing. Allele origin: germline.